The following is an entry in ClinVar:

NM_000238.4(KCNH2):c.2122A>G (p.Thr708Ala)

Gene: KCNH2 (potassium voltage-gated channel subfamily H member 2; minus strand). Cytogenetic location: 7q36.1.
Variant type: single nucleotide variant.
Coding change: c.2122A>G on transcript NM_000238.4 (MANE Select); coding-DNA position 2122, A replaced by G.
Protein change: p.Thr708Ala; replaces threonine 708 with alanine.
Molecular consequence: missense variant.
Genome position (GRCh38, 1-based): chr7:150,950,944, T>C on the plus strand (A>G on the coding strand, the complement: KCNH2 is on the minus strand). VCF-style: chr7-150950944-T-C. GRCh37 (hg19) VCF-style: chr7-150648032-T-C.
Other names: c.1102A>G, p.Thr368Ala (NM_001204798.2, NM_172057.3); c.1834A>G, p.Thr612Ala (NM_001406753.1, NM_001406756.1); c.1945A>G, p.Thr649Ala (NM_001406755.1); c.1822A>G, p.Thr608Ala (NM_001406757.1); c.2122A>G, p.Thr708Ala (NM_172056.3); short protein forms T368A, T708A, T649A, T608A, T612A.
Identifiers: ClinVar variation 527003 (VCV000527003.9), dbSNP rs1554425463, ClinGen allele CA369857378.

ClinVar aggregate classification (germline): Uncertain significance. Review status: criteria provided, multiple submitters, no conflicts (2 of 4 stars). 2 submissions from 2 submitters: Uncertain significance (2). Last evaluated 2024-12-09.

Conditions:
Long QT syndrome (LQTS). Identifiers: MedGen C0023976, MeSH D008133, MONDO:0002442. Disease mechanism: loss of function. Inheritance: Various modes of inheritance.
Cardiovascular phenotype. Identifiers: MedGen CN230736.

Allele frequency attached by ClinVar (database versions not stated): gnomAD 0.00001.
gnomAD v4.1: 1 of 1,614,084 alleles (0.000062%); highest among the groups gnomAD compares: African/African-American, 0.0013%; no homozygotes.

Submissions (2):

Labcorp Genetics (formerly Invitae), Labcorp
Classification: Uncertain significance for Long QT syndrome. Last evaluated: 2024-12-09. Review status: criteria provided, single submitter. Criteria: Invitae Variant Classification Sherloc (09022015). Collection method: clinical testing. Allele origin: germline.
Comment: This sequence change replaces threonine, which is neutral and polar, with alanine, which is neutral and non-polar, at codon 708 of the KCNH2 protein (p.Thr708Ala). This variant is not present in population databases (gnomAD no frequency). This variant has not been reported in the literature in individuals affected with KCNH2-related conditions. ClinVar contains an entry for this variant (Variation ID: 527003). An algorithm developed to predict the effect of missense changes on protein structure and function (PolyPhen-2) suggests that this variant is likely to be disruptive. In summary, the available evidence is currently insufficient to determine the role of this variant in disease. Therefore, it has been classified as a Variant of Uncertain Significance.

Ambry Genetics
Classification: Uncertain significance for Cardiovascular phenotype. Last evaluated: 2023-04-10. Review status: criteria provided, single submitter. Criteria: Ambry Variant Classification Scheme 2023. Collection method: clinical testing. Allele origin: germline.
Comment: The p.T708A variant (also known as c.2122A>G), located in coding exon 8 of the KCNH2 gene, results from an A to G substitution at nucleotide position 2122. The threonine at codon 708 is replaced by alanine, an amino acid with similar properties. This amino acid position is highly conserved in available vertebrate species. In addition, this alteration is predicted to be deleterious by in silico analysis. Since supporting evidence is limited at this time, the clinical significance of this alteration remains unclear.